The following is an entry in ClinVar:

ClinVar aggregate classification (germline): Uncertain significance (1 of 4 stars; one submission).

gnomAD v4.1: 1 of 1,614,170 alleles (0.000062%); highest among the groups gnomAD compares: Non-Finnish European, 0.000085%; no homozygotes.

Submission:

Labcorp Genetics (formerly Invitae), Labcorp
Classification: Uncertain significance. Last evaluated: 2024-08-31. Review status: criteria provided, single submitter. Criteria: Invitae Variant Classification Sherloc (09022015). Collection method: clinical testing. Allele origin: germline.
Comment: This sequence change replaces cysteine, which is neutral and slightly polar, with arginine, which is basic and polar, at codon 1755 of the ALPK3 protein (p.Cys1755Arg). This variant is not present in population databases (gnomAD no frequency). This variant has not been reported in the literature in individuals affected with ALPK3-related conditions. An algorithm developed to predict the effect of missense changes on protein structure and function (PolyPhen-2) suggests that this variant is likely to be disruptive. In summary, the available evidence is currently insufficient to determine the role of this variant in disease. Therefore, it has been classified as a Variant of Uncertain Significance.

NM_020778.5(ALPK3):c.4657T>C (p.Cys1553Arg)

Gene: ALPK3 (alpha kinase 3; plus strand). Cytogenetic location: 15q25.3.
Variant type: single nucleotide variant.
Coding change: c.4657T>C on transcript NM_020778.5 (MANE Select); coding-DNA position 4657, T replaced by C.
Protein change: p.Cys1553Arg; replaces cysteine 1553 with arginine.
Molecular consequence: missense variant.
Genome position (GRCh38, 1-based): chr15:84,864,599, T>C. VCF-style: chr15-84864599-T-C. GRCh37 (hg19) VCF-style: chr15-85407830-T-C.
Other names: short protein forms C1553R.
Identifiers: ClinVar variation 3662851 (VCV003662851.2).
Genomic context (GRCh38, chr15:84,864,599, plus strand): 5'-CGGGAATGGGGCTGTGCTGAGGCTCCGACAGCATCTGGCAGCTCTGAGGCCATGCAGAAA[T>C]GCCAGACCTTCCAACACTGGCTGTATCAGTGGACAAATGGCAGCTTCCTTGTCACAGACT-3'
Protein context (NP_065829.4, residues 1543-1563): ASGSSEAMQK[Cys1553Arg]QTFQHWLYQW